The following is an entry in ClinVar:

ClinVar aggregate classification (germline): Conflicting classifications of pathogenicity. Review status: criteria provided, conflicting classifications (1 of 4 stars). 6 submissions from 6 submitters: Uncertain significance (2); Likely benign (4). Last evaluated 2026-01-28.

Conditions:
LAMA2-related muscular dystrophy (LAMA2-RD). Also called: Laminin alpha 2-related dystrophy. Identifiers: MedGen C5679788, MONDO:0100228.

Allele frequency attached by ClinVar (database versions not stated): ExAC 0.00010; gnomAD 0.00044 and 0.00052; ESP Exome Variant Server 0.00062; TOPMed 0.00062.
gnomAD v4.1: 129 of 1,614,058 alleles (0.008%); highest among the groups gnomAD compares: African/African-American, 0.16%; no homozygotes.

Submissions (6):

Labcorp Genetics (formerly Invitae), Labcorp
Classification: Likely benign for LAMA2-related muscular dystrophy. Last evaluated: 2026-01-28. Review status: criteria provided, single submitter. Criteria: Invitae Variant Classification Sherloc (09022015). Collection method: clinical testing. Allele origin: germline.

Blueprint Genetics
Classification: Likely benign. Last evaluated: 2024-11-08. Review status: criteria provided, single submitter. Criteria: ACMG Guidelines, 2015. Collection method: clinical testing. Allele origin: germline.

Revvity Omics, Revvity
Classification: Likely benign. Last evaluated: 2024-07-03. Review status: criteria provided, single submitter. Criteria: ACMG Guidelines, 2015. Collection method: clinical testing. Allele origin: germline.

GeneDx
Classification: Uncertain significance. Last evaluated: 2023-06-14. Review status: criteria provided, single submitter. Criteria: GeneDx Variant Classification Process June 2021. Collection method: clinical testing. Allele origin: germline. Affected: yes.
Comment: In silico analysis supports that this missense variant does not alter protein structure/function; Has not been previously published as pathogenic or benign to our knowledge; This variant is associated with the following publications: (PMID: 30055037)

CeGaT Center for Human Genetics Tuebingen
Classification: Likely benign. Last evaluated: 2022-10-01. Review status: criteria provided, single submitter. Criteria: CeGaT Center For Human Genetics Tuebingen Variant Classification Criteria Version 2. Collection method: clinical testing. Allele origin: germline. Affected: yes. Observed: 1 variant allele.
Comment: LAMA2: BP4

Eurofins Ntd Llc (ga)
Classification: Uncertain significance. Last evaluated: 2017-06-02. Review status: criteria provided, single submitter. Criteria: EGL Classification Definitions 2015. Collection method: clinical testing. Allele origin: germline. Observed: 1 variant allele, 1 heterozygote.

NM_000426.4(LAMA2):c.1645C>T (p.Pro549Ser)

Gene: LAMA2 (laminin subunit alpha 2; plus strand). Cytogenetic location: 6q22.33.
Variant type: single nucleotide variant.
Coding change: c.1645C>T on transcript NM_000426.4 (MANE Select); coding-DNA position 1645, C replaced by T.
Protein change: p.Pro549Ser; replaces proline 549 with serine.
Molecular consequence: missense variant.
Genome position (GRCh38, 1-based): chr6:129,192,716, C>T. VCF-style: chr6-129192716-C-T. GRCh37 (hg19) VCF-style: chr6-129513861-C-T.
Other names: c.1645C>T, p.Pro549Ser (NM_001079823.2); short protein forms P549S.
Identifiers: ClinVar variation 501997 (VCV000501997.46), dbSNP rs139070796, ClinGen allele CA3992684.